The following is an entry in ClinVar:

NM_020975.6(RET):c.2940G>A (p.Met980Ile)

Gene: RET (ret proto-oncogene; plus strand). Cytogenetic location: 10q11.21.
Variant type: single nucleotide variant.
Coding change: c.2940G>A on transcript NM_020975.6 (MANE Select); coding-DNA position 2940, G replaced by A.
Protein change: p.Met980Ile; replaces methionine 980 with isoleucine.
Molecular consequence: missense variant.
Genome position (GRCh38, 1-based): chr10:43,124,883, G>A. VCF-style: chr10-43124883-G-A. GRCh37 (hg19) VCF-style: chr10-43620331-G-A.
Other names: c.1755G>A, p.Met585Ile (NM_001406788.1, NM_001406789.1, NM_001406790.1); c.1635G>A, p.Met545Ile (NM_001406791.1); c.1491G>A, p.Met497Ile (NM_001406792.1, NM_001406793.1, NM_001406794.1); c.2940G>A, p.Met980Ile (NM_020629.2, NM_020630.7, NM_000323.2 and 4 more transcripts); c.2178G>A, p.Met726Ile (NM_001355216.2); c.2811G>A, p.Met937Ile (NM_001406761.1, NM_001406762.1, NM_001406764.1); c.2805G>A, p.Met935Ile (NM_001406763.1, NM_001406765.1); c.2652G>A, p.Met884Ile (NM_001406766.1, NM_001406767.1, NM_001406770.1); and 10 more; short protein forms M497I, M638I, M641I, M738I, M935I, M937I, M585I, M805I.
Identifiers: ClinVar variation 2733449 (VCV002733449.4), dbSNP rs2538625674, ClinGen allele CA376558021.

ClinVar aggregate classification (germline): Uncertain significance. Review status: criteria provided, multiple submitters, no conflicts (2 of 4 stars). 2 submissions from 2 submitters: Uncertain significance (2). Last evaluated 2025-03-24.

Conditions:
Hereditary cancer-predisposing syndrome. Also called: Tumor predisposition; Hereditary Cancer Syndrome; Neoplastic Syndromes, Hereditary; Hereditary neoplastic syndrome. Identifiers: Orphanet 140162, MedGen C0027672, MeSH D009386, MONDO:0015356.
Multiple endocrine neoplasia, type 2 (MEN2). Identifiers: Orphanet 653, MedGen C4048306, MONDO:0019003. Disease mechanism: gain of function.

Allele frequency attached by ClinVar (database versions not stated): gnomAD exomes below 0.00001.
gnomAD v4.1: 1 of 1,613,892 alleles (0.000062%); highest among the groups gnomAD compares: Non-Finnish European, 0.000085%; no homozygotes.

Submissions (2):

Ambry Genetics
Classification: Uncertain significance for Hereditary cancer-predisposing syndrome. Last evaluated: 2025-03-24. Review status: criteria provided, single submitter. Criteria: Ambry Variant Classification Scheme 2023. Collection method: clinical testing. Allele origin: germline.
Comment: The p.M980I variant (also known as c.2940G>A) is located in coding exon 18 of the RET gene. The methionine at codon 980 is replaced by isoleucine, an amino acid with highly similar properties. This change occurs in the first base pair of coding exon 18. This amino acid position is conserved. In addition, this alteration is predicted to be deleterious by in silico analysis. Based on the available evidence, the clinical significance of this variant remains unclear.

Labcorp Genetics (formerly Invitae), Labcorp
Classification: Uncertain significance for Multiple endocrine neoplasia, type 2. Last evaluated: 2023-10-30. Review status: criteria provided, single submitter. Criteria: Invitae Variant Classification Sherloc (09022015). Collection method: clinical testing. Allele origin: germline.
Comment: This sequence change replaces methionine, which is neutral and non-polar, with isoleucine, which is neutral and non-polar, at codon 980 of the RET protein (p.Met980Ile). This variant is not present in population databases (gnomAD no frequency). This variant has not been reported in the literature in individuals affected with RET-related conditions. An algorithm developed to predict the effect of missense changes on protein structure and function (PolyPhen-2) suggests that this variant is likely to be tolerated. In summary, the available evidence is currently insufficient to determine the role of this variant in disease. Therefore, it has been classified as a Variant of Uncertain Significance.